The following is an entry in ClinVar:

NM_017780.4(CHD7):c.3071dup (p.Leu1025fs)

Gene: CHD7 (chromodomain helicase DNA binding protein 7; plus strand). Cytogenetic location: 8q12.2.
Variant type: Duplication.
Coding change: c.3071dup on transcript NM_017780.4 (MANE Select); coding-DNA position 3071, one base duplicated (C; older notation c.3071dupC).
Protein change: p.Leu1025fs; shifts the reading frame from leucine 1025.
Molecular consequence: frameshift variant. On other transcripts: intron variant (1).
Genome position (GRCh38, 1-based): chr8:60,822,616, C duplicated; the last of 4 consecutive C bases (chr8:60,822,613-60,822,616); duplicating any one gives the same sequence. VCF-style (leftmost placement, unchanged base first): chr8-60822612-G-GC. GRCh37 (hg19) VCF-style: chr8-61735171-G-GC.
Other names: c.3071dup (LRG_176t1); c.1717-39613dup (NM_001316690.1); short protein forms L1025fs.
Identifiers: ClinVar variation 267422 (VCV000267422.2), dbSNP rs886040984, ClinGen allele CA10602489.

ClinVar aggregate classification (germline): Pathogenic (1 of 4 stars; one submission).

Conditions:
CHARGE syndrome (CHARGE). Also called: Hittner Hirsch Kreh syndrome; Coloboma, heart anomaly, choanal atresia, retardation, genital and ear anomalies; CHARGE association; Hall-Hittner syndrome; CHARGE ASSOCIATION--COLOBOMA, HEART ANOMALY, CHOANAL ATRESIA, RETARDATION, GENITAL AND EAR ANOMALIES. Identifiers: Orphanet 138, MedGen C0265354, MONDO:0008965.

Submission:

Genomic Diagnostic Laboratory, Division of Genomic Diagnostics, Children's Hospital of Philadelphia
Classification: Pathogenic for CHARGE syndrome. Last evaluated: 2016-09-05. Review status: criteria provided, single submitter. Criteria: DGD Variant Analysis Guidelines. Collection method: clinical testing. Allele origin: germline. Affected: yes. Observed: 1 variant allele.
Comment: Clinical Testing